The following is an entry in ClinVar:

ClinVar aggregate classification (germline): Benign. Review status: criteria provided, multiple submitters, no conflicts (2 of 4 stars). 4 submissions from 4 submitters: Benign (3). 1 of the submissions does not count toward it. Last evaluated 2026-02-01.

Conditions:
ABCD4-related disorder. Also called: ABCD4-related condition.
Methylmalonic acidemia with homocystinuria, type cblJ (MAHCJ). Also called: METHYLMALONIC ACIDURIA AND HOMOCYSTINURIA, cblJ TYPE. Identifiers: Orphanet 369955, MedGen C3553915, MONDO:0013925, OMIM 614857.

Allele frequency attached by ClinVar (database versions not stated): ESP Exome Variant Server 0.00023; gnomAD 0.00041 and 0.00092; TOPMed 0.00058; gnomAD exomes 0.00142 and 0.00256; ExAC 0.00269; 1000 Genomes Project 0.00339; 1000 Genomes Project 30x 0.00344.
gnomAD v4.1: 2,234 of 1,614,070 alleles (0.14%); highest among the groups gnomAD compares: South Asian, 1.7%; 37 homozygotes.

Submissions (4):

Labcorp Genetics (formerly Invitae), Labcorp
Classification: Benign for Methylmalonic acidemia with homocystinuria, type cblJ. Last evaluated: 2026-02-01. Review status: criteria provided, single submitter. Criteria: Invitae Variant Classification Sherloc (09022015). Collection method: clinical testing. Allele origin: germline.

GeneDx
Classification: Benign. Last evaluated: 2016-10-11. Review status: criteria provided, single submitter. Criteria: GeneDx Variant Classification (06012015). Collection method: clinical testing. Allele origin: germline. Affected: yes.
Comment: This variant is considered likely benign or benign based on one or more of the following criteria: it is a conservative change, it occurs at a poorly conserved position in the protein, it is predicted to be benign by multiple in silico algorithms, and/or has population frequency not consistent with disease.

Breakthrough Genomics
Classification: Benign. Review status: criteria provided, single submitter. Criteria: ACMG Guidelines, 2015. Collection method: not provided. Allele origin: germline. Inheritance: Autosomal recessive inheritance. Affected: yes.

PreventionGenetics, part of Exact Sciences
Classification: Benign for ABCD4-related condition. Last evaluated: 2019-04-26. Review status: no assertion criteria provided. Collection method: clinical testing. Allele origin: germline. Not counted in ClinVar's aggregate classification.
Comment: This variant is classified as benign based on ACMG/AMP sequence variant interpretation guidelines (Richards et al. 2015 PMID: 25741868, with internal and published modifications).

NM_005050.4(ABCD4):c.1042C>T (p.Arg348Trp)

Gene: ABCD4 (ATP binding cassette subfamily D member 4; minus strand). Cytogenetic location: 14q24.3.
Variant type: single nucleotide variant.
Coding change: c.1042C>T on transcript NM_005050.4 (MANE Select); coding-DNA position 1042, C replaced by T.
Protein change: p.Arg348Trp; replaces arginine 348 with tryptophan.
Molecular consequence: missense variant. On other transcripts: non-coding transcript variant (10).
Genome position (GRCh38, 1-based): chr14:74,292,363, G>A on the plus strand (C>T on the coding strand, the complement: ABCD4 is on the minus strand). VCF-style: chr14-74292363-G-A. GRCh37 (hg19) VCF-style: chr14-74759066-G-A.
Other names: c.916C>T, p.Arg306Trp (NM_001353591.2, NM_001353592.2); c.781C>T, p.Arg261Trp (NM_001353593.2); c.730C>T, p.Arg244Trp (NM_001353594.2); c.628C>T, p.Arg210Trp (NM_001353595.2, NM_001353596.2); c.577C>T, p.Arg193Trp (NM_001353597.2); c.565C>T, p.Arg189Trp (NM_001353598.2, NM_001353599.2, NM_001353600.2 and 2 more transcripts); c.253C>T, p.Arg85Trp (NM_001353602.2, NM_001353603.2, NM_001353604.2 and 6 more transcripts); c.1042C>T, p.Arg348Trp (NM_020325.3); short protein forms R348W, R210W, R261W, R306W, R189W, R85W, R193W, R244W.
Identifiers: ClinVar variation 389017 (VCV000389017.14), dbSNP rs147795328, ClinGen allele CA7266952.
Genomic context (GRCh38, chr14:74,292,363, plus strand): 5'-CGCTCTCGCCCAGGATCTCGCAGTCCTGTGACTTCAGGGACATGTCCAGAAGCGTCTCCC[G>A]AAGCTGCCCAATTCTGAACAAGAAAAGAAAATCTGAGGCAGGGTCTGGGAGCCAGGTGAA-3'
Protein context (NP_005041.1, residues 338-358): AGYTHRIGQL[Arg348Trp]ETLLDMSLKS